The following is an entry in ClinVar:

ClinVar aggregate classification (germline): Benign (0 of 4 stars; one submission).

Conditions:
CLASP2-related disorder. Also called: CLASP2-related condition.

Allele frequency attached by ClinVar (database versions not stated): ExAC 0.00028; 1000 Genomes Project 0.00240; 1000 Genomes Project 30x 0.00281; TOPMed 0.00327.
gnomAD v4.1: 781 of 1,505,454 alleles (0.052%); highest among the groups gnomAD compares: African/African-American, 0.97%; 4 homozygotes.

Submission:

PreventionGenetics, part of Exact Sciences
Classification: Benign for CLASP2-related condition. Last evaluated: 2019-03-19. Review status: no assertion criteria provided. Collection method: clinical testing. Allele origin: germline.
Comment: This variant is classified as benign based on ACMG/AMP sequence variant interpretation guidelines (Richards et al. 2015 PMID: 25741868, with internal and published modifications).

NM_001365631.1(CLASP2):c.2455-1147C>G

Gene: CLASP2 (cytoplasmic linker associated protein 2; minus strand). Cytogenetic location: 3p22.3.
Variant type: single nucleotide variant.
Coding change: c.2455-1147C>G on transcript NM_001365631.1 (MANE Select); 1147 bases into the intron before coding-DNA position 2455, C replaced by G.
Molecular consequence: intron variant.
Genome position (GRCh38, 1-based): chr3:33,574,501, G>C on the plus strand (C>G on the coding strand, the complement: CLASP2 is on the minus strand). VCF-style: chr3-33574501-G-C. GRCh37 (hg19) VCF-style: chr3-33615993-G-C.
Other names: c.2116-1147C>G (NM_001375713.1); c.2413-1147C>G (NM_001400406.1, NM_001375705.1, NM_001365634.1 and 1 more transcripts); c.2494-1147C>G (NM_001375697.1); c.2455-1147C>G (NM_001365632.1); c.2518-1147C>G (NM_001375694.1, NM_001365627.1); c.2518-5C>G (NM_001365629.1); c.2482-1147C>G (NM_001375700.1); c.2416-1147C>G (NM_001375703.1, NM_001365633.1); and 33 more.
Identifiers: ClinVar variation 3039137 (VCV003039137.2), dbSNP rs575359833, ClinGen allele CA2302509.